The following is an entry in ClinVar:

NM_001035.3(RYR2):c.5825T>G (p.Phe1942Cys)

Gene: RYR2 (ryanodine receptor 2; plus strand). Cytogenetic location: 1q43.
Variant type: single nucleotide variant.
Coding change: c.5825T>G on transcript NM_001035.3 (MANE Select); coding-DNA position 5825, T replaced by G.
Protein change: p.Phe1942Cys; replaces phenylalanine 1942 with cysteine.
Molecular consequence: missense variant.
Genome position (GRCh38, 1-based): chr1:237,617,395, T>G. VCF-style: chr1-237617395-T-G. GRCh37 (hg19) VCF-style: chr1-237780695-T-G.
Other names: short protein forms F1942C.
Identifiers: ClinVar variation 43811 (VCV000043811.24), dbSNP rs397516546, ClinGen allele CA010046.

ClinVar aggregate classification (germline): Uncertain significance. Review status: criteria provided, multiple submitters, no conflicts (2 of 4 stars). 4 submissions from 4 submitters: Uncertain significance (4). Last evaluated 2025-12-24.

Conditions:
Arrhythmogenic right ventricular dysplasia 2. Identifiers: MedGen C1832931.
Catecholaminergic polymorphic ventricular tachycardia (CVPT). Also called: Catecholamine-induced polymorphic ventricular tachycardia. Identifiers: Orphanet 3286, MedGen C5574922, MONDO:0017990.
Cardiomyopathy (CMYO). Also called: Cardiomyopathies. Identifiers: Orphanet 167848, MedGen C0878544, MONDO:0004994, HP:0001638. Inheritance: Various modes of inheritance.
Catecholaminergic polymorphic ventricular tachycardia 1. Also called: VENTRICULAR TACHYCARDIA, CATECHOLAMINERGIC POLYMORPHIC, 1, WITH OR WITHOUT ATRIAL DYSFUNCTION AND/OR DILATED CARDIOMYOPATHY; RYR2-Related Catecholaminergic Polymorphic Ventricular Tachycardia; VENTRICULAR TACHYCARDIA, STRESS-INDUCED POLYMORPHIC 1. Identifiers: Orphanet 3286, MedGen C1631597, MONDO:0011484, OMIM 604772.

Allele frequency attached by ClinVar (database versions not stated): gnomAD exomes 0.00002 and 0.00003; ExAC 0.00003.
gnomAD v4.1: 55 of 1,613,964 alleles (0.0034%); highest among the groups gnomAD compares: Non-Finnish European, 0.0041%; no homozygotes.

Submissions (4):

Labcorp Genetics (formerly Invitae), Labcorp
Classification: Uncertain significance for Catecholaminergic polymorphic ventricular tachycardia 1. Last evaluated: 2025-12-24. Review status: criteria provided, single submitter. Criteria: Invitae Variant Classification Sherloc (09022015). Collection method: clinical testing. Allele origin: germline.
Comment: This sequence change replaces phenylalanine, which is neutral and non-polar, with cysteine, which is neutral and slightly polar, at codon 1942 of the RYR2 protein (p.Phe1942Cys). This variant is present in population databases (rs397516546, gnomAD 0.005%). This missense change has been observed in individual(s) with sudden arrhythmic death syndrome (PMID: 31337358). ClinVar contains an entry for this variant (Variation ID: 43811). Invitae Evidence Modeling of protein sequence and biophysical properties (such as structural, functional, and spatial information, amino acid conservation, physicochemical variation, residue mobility, and thermodynamic stability) indicates that this missense variant is not expected to disrupt RYR2 protein function with a negative predictive value of 95%. In summary, the available evidence is currently insufficient to determine the role of this variant in disease. Therefore, it has been classified as a Variant of Uncertain Significance.

Color Diagnostics, LLC DBA Color Health
Classification: Uncertain significance for Cardiomyopathy. Last evaluated: 2025-11-20. Review status: criteria provided, single submitter. Criteria: ACMG Guidelines, 2015. Collection method: clinical testing. Allele origin: germline.
Comment: This missense variant replaces phenylalanine with cysteine at codon 1942 of the RYR2 protein. Computational predictions are inconclusive regarding the impact of this variant on protein structure and function. To our knowledge, functional studies have not been reported for this variant. This variant has been reported in an individual affected with sudden arrhythmic death syndrome (PMID: 31337358). This variant has been identified in 55/1613964 chromosomes in the general population by the Genome Aggregation Database (gnomAD). The available evidence is insufficient to determine the role of this variant in disease conclusively. Therefore, this variant is classified as a Variant of Uncertain Significance.

All of Us Research Program, National Institutes of Health
Classification: Uncertain significance for Catecholaminergic polymorphic ventricular tachycardia. Last evaluated: 2023-10-06. Review status: criteria provided, single submitter. Criteria: ACMG Guidelines, 2015. Collection method: clinical testing. Allele origin: germline. Inheritance: Autosomal dominant inheritance. Observed: 1 variant allele, 1 heterozygote.
Comment: This missense variant replaces phenylalanine with cysteine at codon 1942 of the RYR2 protein. Computational prediction is inconclusive regarding the impact of this variant on protein structure and function (internally defined REVEL score threshold 0.5 < inconclusive < 0.7, PMID: 27666373). Splice site prediction tools suggest that this variant may not impact RNA splicing. To our knowledge, functional studies have not been performed for this variant. This variant has been reported in an individual affected with sudden arrhythmic death syndrome (PMID: 31337358). This variant has also been identified in 6/248974 chromosomes in the general population by the Genome Aggregation Database (gnomAD). The available evidence is insufficient to determine the role of this variant in disease conclusively. Therefore, this variant is classified as a Variant of Uncertain Significance.

This study involves interpretation of variants in research participants for the purpose of population health screening. Participant phenotype was not available at the time of variant classification. Additional details can be found in publication PMID: 35346344, PMCID: PMC8962531

Laboratory for Molecular Medicine, Mass General Brigham Personalized Medicine
Classification: Uncertain significance. Last evaluated: 2012-10-08. Review status: criteria provided, single submitter. Criteria: LMM Criteria. Collection method: clinical testing. Allele origin: germline. Observed: 1 variant allele.
Comment: The Phe1942Cys variant in RYR2 has not been reported in the literature nor previ ously identified by our laboratory. Computational analyses (biochemical amino ac id properties, conservation, AlignGVGD, PolyPhen2, and SIFT) do not provide stro ng support for or against an impact to the protein. Additional information is ne eded to fully assess the clinical significance of this variant.

Literature cited by the submitters: PubMed 31337358 (cited by 3 submitters).